The following is an entry in ClinVar:

NM_000780.4(CYP7A1):c.321+2T>C

Gene: CYP7A1 (cytochrome P450 family 7 subfamily A member 1; minus strand). Cytogenetic location: 8q12.1.
Variant type: single nucleotide variant.
Coding change: c.321+2T>C on transcript NM_000780.4 (MANE Select); the canonical splice donor site of the intron after coding-DNA position 321, T replaced by C.
Molecular consequence: splice donor variant.
Genome position (GRCh38, 1-based): chr8:58,498,227, A>G on the plus strand (T>C on the coding strand, the complement: CYP7A1 is on the minus strand). VCF-style: chr8-58498227-A-G. GRCh37 (hg19) VCF-style: chr8-59410786-A-G.
Identifiers: ClinVar variation 3355517 (VCV003355517.2).

ClinVar aggregate classification (germline): Uncertain significance. Review status: criteria provided, single submitter (1 of 4 stars). 2 submissions from 2 submitters: Uncertain significance (1). 1 of the submissions does not count toward it. Last evaluated 2025-12-08.

Conditions:
CYP7A1-related disorder. Also called: CYP7A1-related condition.

gnomAD v4.1: 6 of 1,613,936 alleles (0.00037%); highest among the groups gnomAD compares: African/African-American, 0.0067%; no homozygotes.

Submissions (2):

Labcorp Genetics (formerly Invitae), Labcorp
Classification: Uncertain significance. Last evaluated: 2025-12-08. Review status: criteria provided, single submitter. Criteria: Invitae Variant Classification Sherloc (09022015). Collection method: clinical testing. Allele origin: germline.
Comment: This sequence change affects a donor splice site in intron 2 of the CYP7A1 gene. It is expected to disrupt RNA splicing. Variants that disrupt the donor or acceptor splice site typically lead to a loss of protein function (PMID: 16199547), however the current clinical and genetic evidence is not sufficient to establish whether loss-of-function variants in CYP7A1 cause disease. The frequency data for this variant in the population databases is considered unreliable, as metrics indicate poor data quality at this position in the gnomAD database. This variant has not been reported in the literature in individuals affected with CYP7A1-related conditions. ClinVar contains an entry for this variant (Variation ID: 3355517). Algorithms developed to predict the effect of sequence changes on RNA splicing suggest that this variant may disrupt the consensus splice site. In summary, the available evidence is currently insufficient to determine the role of this variant in disease. Therefore, it has been classified as a Variant of Uncertain Significance.

PreventionGenetics, part of Exact Sciences
Classification: Uncertain significance for CYP7A1-related condition. Last evaluated: 2024-05-08. Review status: no assertion criteria provided. Collection method: clinical testing. Allele origin: germline. Not counted in ClinVar's aggregate classification.
Comment: The CYP7A1 c.321+2T>C variant is predicted to disrupt the GT donor site and interfere with normal splicing. To our knowledge, this variant has not been reported in the literature. This variant is reported in 0.0062% of alleles in individuals of African descent in gnomAD. Splicing variants have not commonly been reported in the CYP7A1 gene. At this time, the clinical significance of this variant is uncertain due to the absence of conclusive functional and genetic evidence.

Literature cited by the submitters: PubMed 16199547 (cited by Labcorp Genetics (formerly Invitae), Labcorp).